The following is an entry in ClinVar:

ClinVar aggregate classification (germline): Likely benign (0 of 4 stars; one submission).

Conditions:
SPTB-related disorder. Also called: SPTB-related condition; SPTB-Related Disorders.

Allele frequency attached by ClinVar (database versions not stated): TOPMed below 0.00001.

Submission:

PreventionGenetics, part of Exact Sciences
Classification: Likely benign for SPTB-related condition. Last evaluated: 2021-02-23. Review status: no assertion criteria provided. Collection method: clinical testing. Allele origin: germline.
Comment: This variant is classified as likely benign based on ACMG/AMP sequence variant interpretation guidelines (Richards et al. 2015 PMID: 25741868, with internal and published modifications).

NM_001355436.2(SPTB):c.5211G>A (p.Arg1737=)

Gene: SPTB (spectrin beta, erythrocytic; minus strand). Cytogenetic location: 14q23.3.
Variant type: single nucleotide variant.
Coding change: c.5211G>A on transcript NM_001355436.2 (MANE Select); coding-DNA position 5211, G replaced by A.
Protein change: p.Arg1737=; no amino-acid change (arginine 1737 retained).
Molecular consequence: synonymous variant.
Genome position (GRCh38, 1-based): chr14:64,772,922, C>T on the plus strand (G>A on the coding strand, the complement: SPTB is on the minus strand). VCF-style: chr14-64772922-C-T. GRCh37 (hg19) VCF-style: chr14-65239640-C-T.
Other names: c.5211G>A, p.Arg1737= (NM_001355437.2, NM_001024858.4).
Identifiers: ClinVar variation 3030889 (VCV003030889.2), dbSNP rs2082300419, ClinGen allele CA486968228.
Genomic context (GRCh38, chr14:64,772,922, plus strand): 5'-GAGTCGCTCGATGAAGGCATTCACATTGTCCACCCGCTCCTGCCCAATCGCCCCGGTCTC[C>T]CGGGCAAAGTCCCGGAACTTGTCCCGCAGAAGCTAGGCATGGGGCAGACAGAAATGTGGT-3'
Protein context (NP_001342365.1, residues 1727-1747): LLRDKFRDFA[Arg1737=]ETGAIGQERV